The following is an entry in ClinVar:

NM_003680.4(YARS1):c.1099C>G (p.Arg367Gly)

Gene: YARS1 (tyrosyl-tRNA synthetase 1; minus strand). Cytogenetic location: 1p35.1.
Variant type: single nucleotide variant.
Coding change: c.1099C>G on transcript NM_003680.4 (MANE Select); coding-DNA position 1099, C replaced by G.
Protein change: p.Arg367Gly; replaces arginine 367 with glycine.
Molecular consequence: missense variant.
Genome position (GRCh38, 1-based): chr1:32,781,089, G>C on the plus strand (C>G on the coding strand, the complement: YARS1 is on the minus strand). VCF-style: chr1-32781089-G-C. GRCh37 (hg19) VCF-style: chr1-33246690-G-C.
Other names: short protein forms R367G.
Identifiers: ClinVar variation 4990642 (VCV004990642.1).

ClinVar aggregate classification (germline): Uncertain significance (1 of 4 stars; one submission).

Conditions:
YARS1-related disorder. Also called: YARS1-related condition.

Submission:

PreventionGenetics, part of Exact Sciences
Classification: Uncertain significance for YARS1-related condition. Last evaluated: 2026-03-04. Review status: criteria provided, single submitter. Criteria: ACMG Guidelines, 2015. Collection method: clinical testing. Allele origin: germline.
Comment: The YARS1 c.1099C>G variant is predicted to result in the amino acid substitution p.Arg367Gly. To our knowledge, this variant has not been reported in the literature or in a large population database (gnomAD), indicating this variant is rare. At this time, the clinical significance of this variant is uncertain due to the absence of conclusive functional and genetic evidence.